The following is an entry in ClinVar:

ClinVar aggregate classification (germline): Uncertain significance (1 of 4 stars; one submission).

Allele frequency attached by ClinVar (database versions not stated): gnomAD exomes below 0.00001.
gnomAD v4.1: 1 of 1,613,624 alleles (0.000062%); highest among the groups gnomAD compares: Non-Finnish European, 0.000085%; no homozygotes.

Submission:

GeneDx
Classification: Uncertain significance. Last evaluated: 2022-09-20. Review status: criteria provided, single submitter. Criteria: GeneDx Variant Classification Process June 2021. Collection method: clinical testing. Allele origin: germline. Affected: yes.
Comment: Not observed at significant frequency in large population cohorts (gnomAD); In silico analysis supports that this missense variant has a deleterious effect on protein structure/function; Has not been previously published as pathogenic or benign to our knowledge

NM_001379403.1(WDR26):c.820A>G (p.Lys274Glu)

Gene: WDR26 (WD repeat domain 26; minus strand). Cytogenetic location: 1q42.12.
Variant type: single nucleotide variant.
Coding change: c.820A>G on transcript NM_001379403.1 (MANE Select); coding-DNA position 820, A replaced by G.
Protein change: p.Lys274Glu; replaces lysine 274 with glutamic acid.
Molecular consequence: missense variant.
Genome position (GRCh38, 1-based): chr1:224,431,684, T>C on the plus strand (A>G on the coding strand, the complement: WDR26 is on the minus strand). VCF-style: chr1-224431684-T-C. GRCh37 (hg19) VCF-style: chr1-224619386-T-C.
Other names: c.520A>G, p.Lys174Glu (NM_001115113.3, NM_025160.7); short protein forms K174E, K274E.
Identifiers: ClinVar variation 2444539 (VCV002444539.1), dbSNP rs2464784617, ClinGen allele CA344751516.